The following is an entry in ClinVar:

NM_003647.3(DGKE):c.607_610del (p.Lys203fs)

Gene: DGKE (diacylglycerol kinase epsilon; plus strand). Cytogenetic location: 17q22.
Variant type: Deletion.
Coding change: c.607_610del on transcript NM_003647.3 (MANE Select); coding-DNA positions 607 to 610, 4 bases deleted (AAAA; older notation c.607_610delAAAA).
Protein change: p.Lys203fs; shifts the reading frame from lysine 203.
Molecular consequence: frameshift variant.
Genome position (GRCh38, 1-based): chr17:56,844,161-56,844,164, AAAA deleted; deleting any 4 consecutive bases within chr17:56,844,158-56,844,164 gives the same sequence; the c. name uses the placement nearest the transcript's 3' end. VCF-style (leftmost placement, unchanged base first): chr17-56844157-CAAAA-C. GRCh37 (hg19) VCF-style: chr17-54921518-CAAAA-C.
Other names: short protein forms K203fs.
Identifiers: ClinVar variation 4280361 (VCV004280361.2).

ClinVar aggregate classification (germline): Likely pathogenic/Pathogenic, low penetrance. Review status: criteria provided, multiple submitters, no conflicts (2 of 4 stars). 2 submissions from 2 submitters: Likely pathogenic (1); Pathogenic, low penetrance (1). Last evaluated 2025-09-26.

Conditions:
Atypical hemolytic-uremic syndrome. Identifiers: Orphanet 2134, MedGen C2931788, MONDO:0016244.
DGKE-related disorders.

Submissions (2):

Genomenon, Inc
Classification: Pathogenic, low penetrance for Atypical hemolytic-uremic syndrome. Last evaluated: 2025-09-26. Review status: criteria provided, single submitter. Criteria: Genomenon Sequence Variant Interpretation Standards - Updated. Collection method: curation. Allele origin: germline. Affected: yes.
Comment: DGKE p.Lys203GlnfsTer6 (c.607_610del) is a frameshift variant that results in the production of a truncated protein which is predicted to undergo nonsense-mediated mRNA decay. This variant has been observed in at least one proband affected with atypical hemolytic-uremic syndrome (PMID:28056875). It is absent or not present at a significant frequency in gnomAD. In conclusion, we classify DGKE p.Lys203GlnfsTer6 (c.607_610del) as a pathogenic, low penetrance variant.

Blueprint Genetics
Classification: Likely pathogenic for DGKE-related disorders. Last evaluated: 2023-12-18. Review status: criteria provided, single submitter. Criteria: ACMG Guidelines, 2015. Collection method: clinical testing. Allele origin: germline. Affected: yes. Observed: 1 variant allele.

Literature cited by the submitters: PubMed 28056875 (cited by Genomenon, Inc).